The following is an entry in ClinVar:

ClinVar aggregate classification (germline): Likely benign (1 of 4 stars; one submission).

gnomAD v4.1: 38 of 1,614,072 alleles (0.0024%); highest among the groups gnomAD compares: Middle Eastern, 0.016%; no homozygotes.

Submission:

CeGaT Center for Human Genetics Tuebingen
Classification: Likely benign. Last evaluated: 2026-07-01. Review status: criteria provided, single submitter. Criteria: CeGaT Center For Human Genetics Tuebingen Variant Classification Criteria Version 2. Collection method: clinical testing. Allele origin: germline. Affected: yes. Observed: 1 variant allele.
Comment: LIG3: BP4, BP7

NM_013975.4(LIG3):c.2928G>A (p.Thr976=)

Gene: LIG3 (DNA ligase 3; plus strand). Cytogenetic location: 17q12.
Variant type: single nucleotide variant.
Coding change: c.2928G>A on transcript NM_013975.4 (MANE Select); coding-DNA position 2928, G replaced by A.
Protein change: p.Thr976=; no amino-acid change (threonine 976 retained).
Molecular consequence: synonymous variant.
Genome position (GRCh38, 1-based): chr17:35,004,404, G>A. VCF-style: chr17-35004404-G-A. GRCh37 (hg19) VCF-style: chr17-33331423-G-A.
Identifiers: ClinVar variation 5039008 (VCV005039008.1).